The following is an entry in ClinVar:

NM_001042492.3(NF1):c.3197+9del

Gene: NF1 (neurofibromin 1; plus strand). Cytogenetic location: 17q11.2.
Variant type: Deletion.
Coding change: c.3197+9del on transcript NM_001042492.3 (MANE Select); 9 bases into the intron after coding-DNA position 3197, one base deleted (A; older notation c.3197+9delA).
Molecular consequence: intron variant.
Genome position (GRCh38, 1-based): chr17:31,230,934, A deleted; the last of 7 consecutive A bases (chr17:31,230,928-31,230,934); deleting any one gives the same sequence. VCF-style (leftmost placement, unchanged base first): chr17-31230927-TA-T. GRCh37 (hg19) VCF-style: chr17-29557945-TA-T.
Other names: c.3197+9del (NM_000267.4).
Identifiers: ClinVar variation 1146888 (VCV001146888.8), dbSNP rs755212937, ClinGen allele CA2255567841.

ClinVar aggregate classification (germline): Likely benign. Review status: criteria provided, multiple submitters, no conflicts (2 of 4 stars). 2 submissions from 2 submitters: Likely benign (2). Last evaluated 2026-05-12.

Conditions:
Neurofibromatosis, type 1 (NF1). Also called: Peripheral type neurofibromatosis; NEUROFIBROMATOSIS, TYPE I, SOMATIC; VON RECKLINGHAUSEN DISEASE; Neurofibromatosis, type I. Identifiers: Orphanet 636, MedGen C0027831, MONDO:0018975, OMIM 162200. Disease mechanism: loss of function.

Submissions (2):

Myriad Genetics, Inc.
Classification: Likely benign for Neurofibromatosis, type 1. Last evaluated: 2026-05-12. Review status: criteria provided, single submitter. Criteria: Myriad Autosomal Dominant, Autosomal Recessive and X-Linked Classification Criteria (2023). Collection method: clinical testing. Allele origin: unknown.
Comment: This variant is considered likely benign. This variant is intronic and is not expected to impact mRNA splicing.

Labcorp Genetics (formerly Invitae), Labcorp
Classification: Likely benign for Neurofibromatosis, type 1. Last evaluated: 2024-03-06. Review status: criteria provided, single submitter. Criteria: Invitae Variant Classification Sherloc (09022015). Collection method: clinical testing. Allele origin: germline.